The following is an entry in ClinVar:

NM_006947.4(SRP72):c.181T>G (p.Phe61Val)

Gene: SRP72 (signal recognition particle 72; plus strand). Cytogenetic location: 4q12.
Variant type: single nucleotide variant.
Coding change: c.181T>G on transcript NM_006947.4 (MANE Select); coding-DNA position 181, T replaced by G.
Protein change: p.Phe61Val; replaces phenylalanine 61 with valine.
Molecular consequence: missense variant. On other transcripts: non-coding transcript variant (1).
Genome position (GRCh38, 1-based): chr4:56,469,724, T>G. VCF-style: chr4-56469724-T-G. GRCh37 (hg19) VCF-style: chr4-57335890-T-G.
Other names: c.181T>G, p.Phe61Val (NM_001267722.2); short protein forms F61V.
Identifiers: ClinVar variation 4865145 (VCV004865145.1).

ClinVar aggregate classification (germline): Uncertain significance (1 of 4 stars; one submission).

Submission:

Ambry Genetics
Classification: Uncertain significance. Last evaluated: 2026-05-14. Review status: criteria provided, single submitter. Criteria: Ambry Variant Classification Scheme 2023. Collection method: clinical testing. Allele origin: germline.
Comment: The p.F61V variant (also known as c.181T>G), located in coding exon 2 of the SRP72 gene, results from a T to G substitution at nucleotide position 181. The phenylalanine at codon 61 is replaced by valine, an amino acid with highly similar properties. This amino acid position is conserved. In addition, the in silico prediction for this alteration is inconclusive. Based on the available evidence, the clinical significance of this variant remains unclear.